The following is an entry in ClinVar:

ClinVar aggregate classification (germline): Uncertain significance (1 of 4 stars; one submission).

Conditions:
Inborn genetic diseases. Identifiers: MedGen C0950123, MeSH D030342.

Submission:

Ambry Genetics
Classification: Uncertain significance for Inborn genetic diseases. Last evaluated: 2025-05-24. Review status: criteria provided, single submitter. Criteria: Ambry Variant Classification Scheme 2023. Collection method: clinical testing. Allele origin: germline.
Comment: The p.A714T variant (also known as c.2140G>A), located in coding exon 12 of the BMPR2 gene, results from a G to A substitution at nucleotide position 2140. The alanine at codon 714 is replaced by threonine, an amino acid with similar properties. This amino acid position is conserved. In addition, this alteration is predicted to be deleterious by in silico analysis. Based on the available evidence, the clinical significance of this variant remains unclear.

NM_001204.7(BMPR2):c.2140G>A (p.Ala714Thr)

Gene: BMPR2 (bone morphogenetic protein receptor type 2; plus strand). Cytogenetic location: 2q33.2.
Variant type: single nucleotide variant.
Coding change: c.2140G>A on transcript NM_001204.7 (MANE Select); coding-DNA position 2140, G replaced by A.
Protein change: p.Ala714Thr; replaces alanine 714 with threonine.
Molecular consequence: missense variant.
Genome position (GRCh38, 1-based): chr2:202,555,805, G>A. VCF-style: chr2-202555805-G-A. GRCh37 (hg19) VCF-style: chr2-203420528-G-A.
Other names: short protein forms A714T.
Identifiers: ClinVar variation 3992198 (VCV003992198.1).